The following is an entry in ClinVar:

ClinVar aggregate classification (germline): Likely benign (1 of 4 stars; one submission).

Allele frequency attached by ClinVar (database versions not stated): gnomAD 0.00001.
gnomAD v4.1: 9 of 1,613,998 alleles (0.00056%); highest among the groups gnomAD compares: South Asian, 0.0055%; no homozygotes.

Submission:

CeGaT Center for Human Genetics Tuebingen
Classification: Likely benign. Last evaluated: 2023-03-01. Review status: criteria provided, single submitter. Criteria: CeGaT Center For Human Genetics Tuebingen Variant Classification Criteria Version 2. Collection method: clinical testing. Allele origin: germline. Affected: yes. Observed: 1 variant allele.
Comment: ULK4: BP4, BP7

NM_017886.4(ULK4):c.2532G>A (p.Leu844=)

Gene: ULK4 (unc-51 like kinase 4; minus strand). Cytogenetic location: 3p22.1.
Variant type: single nucleotide variant.
Coding change: c.2532G>A on transcript NM_017886.4 (MANE Select); coding-DNA position 2532, G replaced by A.
Protein change: p.Leu844=; no amino-acid change (leucine 844 retained).
Molecular consequence: synonymous variant. On other transcripts: non-coding transcript variant (1).
Genome position (GRCh38, 1-based): chr3:41,715,492, C>T on the plus strand (G>A on the coding strand, the complement: ULK4 is on the minus strand). VCF-style: chr3-41715492-C-T. GRCh37 (hg19) VCF-style: chr3-41756984-C-T.
Other names: c.2532G>A, p.Leu844= (NM_001322500.2); c.1626G>A, p.Leu542= (NM_001322501.2).
Identifiers: ClinVar variation 2653696 (VCV002653696.24), dbSNP rs199600821, ClinGen allele CA74286246.